The following is an entry in ClinVar:

ClinVar aggregate classification (germline): Likely benign (1 of 4 stars; one submission).

Conditions:
NUP205-related disorder. Also called: NUP205-related condition.

gnomAD v4.1: 134 of 1,613,970 alleles (0.0083%); highest among the groups gnomAD compares: South Asian, 0.14%; 1 homozygote.

Submission:

PreventionGenetics, part of Exact Sciences
Classification: Likely benign for NUP205-related condition. Last evaluated: 2025-10-28. Review status: criteria provided, single submitter. Criteria: ACMG Guidelines, 2015. Collection method: clinical testing. Allele origin: germline.
Comment: This variant is classified as likely benign based on ACMG/AMP sequence variant interpretation guidelines (Richards et al. 2015 PMID: 25741868, with internal and published modifications).

NM_015135.3(NUP205):c.4542G>T (p.Leu1514Phe)

Gene: NUP205 (nucleoporin 205; plus strand). Cytogenetic location: 7q33.
Variant type: single nucleotide variant.
Coding change: c.4542G>T on transcript NM_015135.3 (MANE Select); coding-DNA position 4542, G replaced by T.
Protein change: p.Leu1514Phe; replaces leucine 1514 with phenylalanine.
Molecular consequence: missense variant.
Genome position (GRCh38, 1-based): chr7:135,625,226, G>T. VCF-style: chr7-135625226-G-T. GRCh37 (hg19) VCF-style: chr7-135309974-G-T.
Other names: c.3468G>T, p.Leu1156Phe (NM_001329434.2); short protein forms L1156F, L1514F.
Identifiers: ClinVar variation 4980755 (VCV004980755.1).
Genomic context (GRCh38, chr7:135,625,226, plus strand): 5'-GCTGGCCCTGGCTCTACTTGATAGAATTGTCTCCGTGGATAAACAGCAGCAGTGGCTTTT[G>T]TATCTTTCTAACAGTGGCTACTTGAAGGTCCTCGTAGACAGCTTGGTAGAAGATGACCGT-3'
Protein context (NP_055950.2, residues 1504-1524): VSVDKQQQWL[Leu1514Phe]YLSNSGYLKV